The following is an entry in ClinVar:

ClinVar aggregate classification (germline): Likely pathogenic (1 of 4 stars; one submission).

Conditions:
Inborn genetic diseases. Identifiers: MedGen C0950123, MeSH D030342.

Submission:

Ambry Genetics
Classification: Likely pathogenic for Inborn genetic diseases. Last evaluated: 2020-05-06. Review status: criteria provided, single submitter. Criteria: Ambry Variant Classification Scheme 2023. Collection method: clinical testing. Allele origin: germline.
Comment: The alteration results in a premature stop codon: _x000D_ _x000D_ _x000D_ The c.794delT (p.L265Rfs*15) alteration, located in coding exon 4 of the BCL11A gene, results from a deletion one nucleotide at position 794, causing a translational frameshift with a predicted alternate stop codon after 15 amino acids. Frameshifts are typically deleterious in nature; however, this frameshift occurs at the 3' terminus of BCL11A, is not expected to trigger nonsense-mediated mRNA decay, and a truncated mutant protein could still be expressed (Maquat, 2004). This alteration impacts the last amino 511 acids of the protein. The exact functional effect of the altered amino acids is unknown; however, premature stop codons are typically deleterious in nature and a significant portion of the protein is affected (Ambry internal data). The alteration is not observed in population databases:_x000D_ _x000D_ Based on data from the Genome Aggregation Database (gnomAD), the BCL11A c.794delT alteration was not observed, with coverage at this position. Based on the available evidence, this alteration is classified as likely pathogenic.

NM_022893.4(BCL11A):c.794del (p.Leu265fs)

Gene: BCL11A (BCL11 transcription factor A; minus strand). Cytogenetic location: 2p16.1.
Variant type: Deletion.
Coding change: c.794del on transcript NM_022893.4 (MANE Select); coding-DNA position 794, one base deleted (T; older notation c.794delT).
Protein change: p.Leu265fs; shifts the reading frame from leucine 265.
Molecular consequence: frameshift variant. On other transcripts: intron variant (1).
Genome position (GRCh38, 1-based): chr2:60,462,118, A deleted on the plus strand (T on the coding strand, the reverse complement: BCL11A is on the minus strand). VCF-style (leftmost placement, unchanged base first): chr2-60462117-CA-C. GRCh37 (hg19) VCF-style: chr2-60689252-CA-C.
Other names: c.692del, p.Leu231fs (NM_001363864.1, NM_001365609.1); c.794del, p.Leu265fs (NM_018014.4); c.630+164del (NM_138559.2); short protein forms L231fs, L265fs.
Identifiers: ClinVar variation 986112 (VCV000986112.5), dbSNP rs1676346981, ClinGen allele CA1139657040.
Genomic context (GRCh38, chr2:60,462,117, plus strand): 5'-TTCCGCCCCCAGGCGCTCTATGCGGTGGGGGTCCAAGTGATGTCTCGGTGGTGGACTAAA[CA>C]GGGGGGGAGTGGGTGGAAAGCGCCCTTCTGCCAGGCCGGAAGCCTCTCTCGATACTGATC-3'